The following is an entry in ClinVar:

NM_014915.3(ANKRD26):c.3871A>C (p.Lys1291Gln)

Gene: ANKRD26 (ankyrin repeat domain 26; minus strand). Cytogenetic location: 10p12.1.
Variant type: single nucleotide variant.
Coding change: c.3871A>C on transcript NM_014915.3 (MANE Select); coding-DNA position 3871, A replaced by C.
Protein change: p.Lys1291Gln; replaces lysine 1291 with glutamine.
Molecular consequence: missense variant.
Genome position (GRCh38, 1-based): chr10:27,029,293, T>G on the plus strand (A>C on the coding strand, the complement: ANKRD26 is on the minus strand). VCF-style: chr10-27029293-T-G. GRCh37 (hg19) VCF-style: chr10-27318222-T-G.
Other names: c.3868A>C, p.Lys1290Gln (NM_001256053.2); short protein forms K1290Q, K1291Q.
Identifiers: ClinVar variation 4859933 (VCV004859933.1).

ClinVar aggregate classification (germline): Uncertain significance (1 of 4 stars; one submission).

Conditions:
Inborn genetic diseases. Identifiers: MedGen C0950123, MeSH D030342.

Submission:

Ambry Genetics
Classification: Uncertain significance for Inborn genetic diseases. Last evaluated: 2026-05-27. Review status: criteria provided, single submitter. Criteria: Ambry Variant Classification Scheme 2023. Collection method: clinical testing. Allele origin: germline.
Comment: The p.K1291Q variant (also known as c.3871A>C), located in coding exon 26 of the ANKRD26 gene, results from an A to C substitution at nucleotide position 3871. The lysine at codon 1291 is replaced by glutamine, an amino acid with similar properties. This amino acid position is conserved. In addition, this alteration is predicted to be tolerated by in silico analysis. Based on the available evidence, the clinical significance of this variant remains unclear.